The following is an entry in ClinVar:

NM_001080517.3(SETD5):c.3701C>T (p.Pro1234Leu)

Gene: SETD5 (SET domain containing 5; plus strand). Cytogenetic location: 3p25.3.
Variant type: single nucleotide variant.
Coding change: c.3701C>T on transcript NM_001080517.3 (MANE Select); coding-DNA position 3701, C replaced by T.
Protein change: p.Pro1234Leu; replaces proline 1234 with leucine.
Molecular consequence: missense variant.
Genome position (GRCh38, 1-based): chr3:9,475,137, C>T. VCF-style: chr3-9475137-C-T. GRCh37 (hg19) VCF-style: chr3-9516821-C-T.
Other names: c.3407C>T, p.Pro1136Leu (NM_001292043.2, NM_001349451.2); short protein forms P1136L, P1234L.
Identifiers: ClinVar variation 2574906 (VCV002574906.1), dbSNP rs2125625654, ClinGen allele CA351690337.
Genomic context (GRCh38, chr3:9,475,137, plus strand): 5'-ATGGAGAAGGCCCAGAGACATTAAGCTCAGCACTCTCTAAAGGAGCAACAGTTTACAGCC[C>T]TTCCAGATACAGCTACCAGGTGAGATGAGAAATTGCTGGTCTCTAGCCATAGGAGTGTGT-3'
Protein context (NP_001073986.1, residues 1224-1244): ALSKGATVYS[Pro1234Leu]SRYSYQLLQC

ClinVar aggregate classification (germline): Uncertain significance (1 of 4 stars; one submission).

Allele frequency attached by ClinVar (database versions not stated): gnomAD exomes below 0.00001.
gnomAD v4.1: 1 of 1,585,288 alleles (0.000063%); highest among the groups gnomAD compares: Admixed American, 0.0018%; no homozygotes.

Submission:

GeneDx
Classification: Uncertain significance. Last evaluated: 2023-01-13. Review status: criteria provided, single submitter. Criteria: GeneDx Variant Classification Process June 2021. Collection method: clinical testing. Allele origin: germline. Affected: yes.
Comment: Identified in an individual with a neurodevelopmental disorder, however specific clinical information and familial segregation information were not provided (Stessman et al., 2017); Not observed at significant frequency in large population cohorts (gnomAD); In silico analysis supports that this missense variant has a deleterious effect on protein structure/function; This variant is associated with the following publications: (PMID: 28191889, 33004838)